The following is an entry in ClinVar:

NM_001009944.3(PKD1):c.6347G>A (p.Arg2116Lys)

Gene: PKD1 (polycystin 1, transient receptor potential channel interacting; minus strand). Cytogenetic location: 16p13.3.
Variant type: single nucleotide variant.
Coding change: c.6347G>A on transcript NM_001009944.3 (MANE Select); coding-DNA position 6347, G replaced by A.
Protein change: p.Arg2116Lys; replaces arginine 2116 with lysine.
Molecular consequence: missense variant.
Genome position (GRCh38, 1-based): chr16:2,108,820, C>T on the plus strand (G>A on the coding strand, the complement: PKD1 is on the minus strand). VCF-style: chr16-2108820-C-T. GRCh37 (hg19) VCF-style: chr16-2158821-C-T.
Other names: p.Arg2116Lys; c.6347G>A, p.Arg2116Lys (NM_000296.4); short protein forms R2116K.
Identifiers: ClinVar variation 4541993 (VCV004541993.1).

ClinVar aggregate classification (germline): Uncertain significance (1 of 4 stars; one submission).

gnomAD v4.1: 5 of 1,569,868 alleles (0.00032%); highest among the groups gnomAD compares: Non-Finnish European, 0.00043%; no homozygotes.

Submission:

Mayo Clinic Laboratories, Mayo Clinic
Classification: Uncertain significance. Last evaluated: 2025-11-23. Review status: criteria provided, single submitter. Criteria: ACMG Guidelines, 2015. Collection method: clinical testing. Allele origin: germline. Observed: 2 variant alleles.
Comment: BP4_moderate, PM2_supporting